The following is an entry in ClinVar:

ClinVar aggregate classification (germline): Uncertain significance (1 of 4 stars; one submission).

Submission:

Dasa
Classification: Uncertain significance. Last evaluated: 2025-11-13. Review status: criteria provided, single submitter. Criteria: DASA Assertion Criteria. Collection method: clinical testing. Allele origin: germline.
Comment: NM_000127.3(EXT1):c.17G>T (p.Arg6Leu) is a missense variant that results in the substitution of arginine with leucine. This variant is rare in population databases. The currently available literature and clinical evidence are not sufficient to establish a definitive association between this variant and the reported condition. Therefore, this variant is classified as a variant of uncertain significance.

NM_000127.3(EXT1):c.17G>T (p.Arg6Leu)

Gene: EXT1 (exostosin glycosyltransferase 1; minus strand). Cytogenetic location: 8q24.11.
Variant type: single nucleotide variant.
Coding change: c.17G>T on transcript NM_000127.3 (MANE Select); coding-DNA position 17, G replaced by T.
Protein change: p.Arg6Leu; replaces arginine 6 with leucine.
Molecular consequence: missense variant.
Genome position (GRCh38, 1-based): chr8:118,111,030, C>A on the plus strand (G>T on the coding strand, the complement: EXT1 is on the minus strand). VCF-style: chr8-118111030-C-A. GRCh37 (hg19) VCF-style: chr8-119123269-C-A.
Other names: short protein forms R6L.
Identifiers: ClinVar variation 4881417 (VCV004881417.2).